The following is an entry in ClinVar:

NM_018896.5(CACNA1G):c.6535C>A (p.Gln2179Lys)

Gene: CACNA1G (calcium voltage-gated channel subunit alpha1 G; plus strand). Cytogenetic location: 17q21.33.
Variant type: single nucleotide variant.
Coding change: c.6535C>A on transcript NM_018896.5 (MANE Select); coding-DNA position 6535, C replaced by A.
Protein change: p.Gln2179Lys; replaces glutamine 2179 with lysine.
Molecular consequence: missense variant. On other transcripts: non-coding transcript variant (5), intron variant (3).
Genome position (GRCh38, 1-based): chr17:50,626,152, C>A. VCF-style: chr17-50626152-C-A. GRCh37 (hg19) VCF-style: chr17-48703513-C-A.
Other names: p.Gln2179Lys; c.6346C>A, p.Gln2116Lys (NM_001256324.2); c.6277C>A, p.Gln2093Lys (NM_001256325.2); c.6265C>A, p.Gln2089Lys (NM_001256326.2); c.6235C>A, p.Gln2079Lys (NM_001256327.2); c.6181C>A, p.Gln2061Lys (NM_001256328.2); c.6154C>A, p.Gln2052Lys (NM_001256329.2, NM_198387.3); c.6121C>A, p.Gln2041Lys (NM_001256330.2); and 19 more; short protein forms Q2029K, Q2045K, Q2050K, Q2059K, Q2068K, Q2093K, Q2123K, Q2145K.
Identifiers: ClinVar variation 2288148 (VCV002288148.5), dbSNP rs368092640, ClinGen allele CA8653680.

ClinVar aggregate classification (germline): Conflicting classifications of pathogenicity. Review status: criteria provided, conflicting classifications (1 of 4 stars). 3 submissions from 3 submitters: Uncertain significance (2); Benign (1). Last evaluated 2025-12-17.

Conditions:
Inborn genetic diseases. Identifiers: MedGen C0950123, MeSH D030342.

Allele frequency attached by ClinVar (database versions not stated): ExAC 0.00001; ESP Exome Variant Server 0.00008; TOPMed 0.00008; gnomAD 0.00009.
gnomAD v4.1: 27 of 1,613,710 alleles (0.0017%); highest among the groups gnomAD compares: African/African-American, 0.029%; no homozygotes.

Submissions (3):

Labcorp Genetics (formerly Invitae), Labcorp
Classification: Benign. Last evaluated: 2025-12-17. Review status: criteria provided, single submitter. Criteria: Invitae Variant Classification Sherloc (09022015). Collection method: clinical testing. Allele origin: germline.

Mayo Clinic Laboratories, Mayo Clinic
Classification: Uncertain significance. Last evaluated: 2025-05-06. Review status: criteria provided, single submitter. Criteria: ACMG Guidelines, 2015. Collection method: clinical testing. Allele origin: germline. Observed: 2 variant alleles.
Comment: PM2_supporting

Ambry Genetics
Classification: Uncertain significance for Inborn genetic diseases. Last evaluated: 2022-05-09. Review status: criteria provided, single submitter. Criteria: Ambry Variant Classification Scheme 2023. Collection method: clinical testing. Allele origin: germline.